The following is an entry in ClinVar:

NM_000152.5(GAA):c.161C>T (p.Pro54Leu)

Gene: GAA (alpha glucosidase; plus strand). Cytogenetic location: 17q25.3.
Variant type: single nucleotide variant.
Coding change: c.161C>T on transcript NM_000152.5 (MANE Select); coding-DNA position 161, C replaced by T.
Protein change: p.Pro54Leu; replaces proline 54 with leucine.
Molecular consequence: missense variant.
Genome position (GRCh38, 1-based): chr17:80,104,747, C>T. VCF-style: chr17-80104747-C-T. GRCh37 (hg19) VCF-style: chr17-78078546-C-T.
Other names: c.161C>T, p.Pro54Leu (NM_001079803.3, NM_001079804.3); short protein forms P54L.
Identifiers: ClinVar variation 972340 (VCV000972340.7), dbSNP rs768898668, ClinGen allele CA8814799.

ClinVar aggregate classification (germline): Uncertain significance (1 of 4 stars; one submission).

Conditions:
Glycogen storage disease, type II (IOPD). Also called: Glucosidase acid-1,4-alpha deficiency; GSD II; Glycogen storage disease type 2; Acid maltase deficiency disease; Aglucosidase alfa; Deficiency of alpha-glucosidase. Identifiers: Orphanet 365, MedGen C0017921, MONDO:0009290, OMIM 232300.

Allele frequency attached by ClinVar (database versions not stated): gnomAD exomes below 0.00001; ExAC 0.00001.

Submission:

Labcorp Genetics (formerly Invitae), Labcorp
Classification: Uncertain significance for Glycogen storage disease, type II. Last evaluated: 2025-05-05. Review status: criteria provided, single submitter. Criteria: Invitae Variant Classification Sherloc (09022015). Collection method: clinical testing. Allele origin: germline.
Comment: This sequence change replaces proline, which is neutral and non-polar, with leucine, which is neutral and non-polar, at codon 54 of the GAA protein (p.Pro54Leu). This variant is present in population databases (rs768898668, gnomAD 0.0009%). This variant has not been reported in the literature in individuals affected with GAA-related conditions. ClinVar contains an entry for this variant (Variation ID: 972340). Invitae Evidence Modeling of protein sequence and biophysical properties (such as structural, functional, and spatial information, amino acid conservation, physicochemical variation, residue mobility, and thermodynamic stability) indicates that this missense variant is not expected to disrupt GAA protein function with a negative predictive value of 95%. In summary, the available evidence is currently insufficient to determine the role of this variant in disease. Therefore, it has been classified as a Variant of Uncertain Significance.